The following is an entry in ClinVar:

NM_000341.4(SLC3A1):c.1975C>T (p.Gln659Ter)

Genes: PREPL (prolyl endopeptidase like; minus strand), SLC3A1 (solute carrier family 3 member 1; plus strand). Cytogenetic location: 2p21.
Variant type: single nucleotide variant.
Coding change: c.1975C>T on transcript NM_000341.4 (MANE Select); coding-DNA position 1975, C replaced by T.
Protein change: p.Gln659Ter; replaces glutamine 659 with a stop codon.
Molecular consequence: nonsense. On other transcripts: 3 prime UTR variant (10).
Genome position (GRCh38, 1-based): chr2:44,320,556, C>T. VCF-style: chr2-44320556-C-T. GRCh37 (hg19) VCF-style: chr2-44547695-C-T.
Other names: c.*800G>A (NM_001042385.2, NM_001042386.2, NM_001171603.1 and 7 more transcripts); short protein forms Q659*.
Identifiers: ClinVar variation 2734181 (VCV002734181.4), dbSNP rs1324540640, ClinGen allele CA346687445.

ClinVar aggregate classification (germline): Pathogenic/Likely pathogenic. Review status: criteria provided, multiple submitters, no conflicts (2 of 4 stars). 2 submissions from 2 submitters: Pathogenic (1); Likely pathogenic (1). Last evaluated 2025-06-05.

Conditions:
Cystinuria (CSNU). Also called: CYSTINURIA, TYPE I; CYSTINURIA, TYPE II; CYSTINURIA, TYPE III; Cystinuria, non-type I. Identifiers: Orphanet 214, MedGen C0010691, MONDO:0009067, OMIM 220100, HP:0003131.

Allele frequency attached by ClinVar (database versions not stated): gnomAD 0.00001; gnomAD exomes below 0.00001; TOPMed 0.00001.
gnomAD v4.1: 5 of 1,613,936 alleles (0.00031%); highest among the groups gnomAD compares: Non-Finnish European, 0.00034%; no homozygotes.

Submissions (2):

Variantyx, Inc.
Classification: Likely pathogenic for Cystinuria. Last evaluated: 2025-06-05. Review status: criteria provided, single submitter. Criteria: Variantyx Assertion Criteria 2022. Collection method: clinical testing. Allele origin: germline. Inheritance: Autosomal recessive inheritance. Affected: yes.
Comment: This is a nonsense variant in the SLC3A1 gene (OMIM: 104614). Pathogenic variants in this gene have been associated with autosomal recessive cystinuria. This variant introduces a premature termination codon in exon 10 out of 10 and is expected to result in loss of function, which is a known disease mechanism for SLC3A1 in this disorder (PMID: 32133030) (PVS1). This variant has been identified in the homozygous or compound heterozygous state in at least one individual reported in the published literature (PMID:25964309), and it has a 0.0003% maximum allele frequency in non-founder control populations (PM2). Based on the current evidence, this variant is classified as likely pathogenic for autosomal recessive cystinuria.

Labcorp Genetics (formerly Invitae), Labcorp
Classification: Pathogenic for Cystinuria. Last evaluated: 2023-03-19. Review status: criteria provided, single submitter. Criteria: Invitae Variant Classification Sherloc (09022015). Collection method: clinical testing. Allele origin: germline.
Comment: The frequency data for this variant in the population databases is considered unreliable, as metrics indicate poor data quality at this position in the gnomAD database. This sequence change creates a premature translational stop signal (p.Gln659*) in the SLC3A1 gene. While this is not anticipated to result in nonsense mediated decay, it is expected to disrupt the last 27 amino acid(s) of the SLC3A1 protein. This premature translational stop signal has been observed in individual(s) with cystinuria (PMID: 25964309). In at least one individual the data is consistent with being in trans (on the opposite chromosome) from a pathogenic variant. This variant disrupts a region of the SLC3A1 protein in which other variant(s) (p.Arg671*) have been determined to be pathogenic (PMID: 28717662, 32133030). This suggests that this is a clinically significant region of the protein, and that variants that disrupt it are likely to be disease-causing. For these reasons, this variant has been classified as Pathogenic.

Literature cited by the submitters: PubMed 32133030 (cited by Variantyx, Inc. and Labcorp Genetics (formerly Invitae), Labcorp); PubMed 25964309 (cited by Variantyx, Inc. and Labcorp Genetics (formerly Invitae), Labcorp); PubMed 28717662 (cited by Labcorp Genetics (formerly Invitae), Labcorp).